The following is an entry in ClinVar:

NM_006206.6(PDGFRA):c.446C>G (p.Pro149Arg)

Gene: PDGFRA (platelet derived growth factor receptor alpha; plus strand). Cytogenetic location: 4q12.
Variant type: single nucleotide variant.
Coding change: c.446C>G on transcript NM_006206.6 (MANE Select); coding-DNA position 446, C replaced by G.
Protein change: p.Pro149Arg; replaces proline 149 with arginine.
Molecular consequence: missense variant.
Genome position (GRCh38, 1-based): chr4:54,263,745, C>G. VCF-style: chr4-54263745-C-G. GRCh37 (hg19) VCF-style: chr4-55129912-C-G.
Other names: c.446C>G, p.Pro149Arg (NM_001347827.2, NM_001347829.2); c.521C>G, p.Pro174Arg (NM_001347828.2); c.485C>G, p.Pro162Arg (NM_001347830.2); short protein forms P149R, P162R, P174R.
Identifiers: ClinVar variation 1393512 (VCV001393512.8), dbSNP rs2110251469, ClinGen allele CA356889844.

ClinVar aggregate classification (germline): Uncertain significance (1 of 4 stars; one submission).

Conditions:
Gastrointestinal stromal tumor. Also called: Gastrointestinal stroma tumor; Gastrointestinal stromal tumor, somatic. Identifiers: Orphanet 44890, MedGen C0238198, MeSH D046152, MONDO:0011719, OMIM 606764, HP:0100723.

Submission:

Labcorp Genetics (formerly Invitae), Labcorp
Classification: Uncertain significance for Gastrointestinal stromal tumor. Last evaluated: 2020-12-20. Review status: criteria provided, single submitter. Criteria: Invitae Variant Classification Sherloc (09022015). Collection method: clinical testing. Allele origin: germline.
Comment: In summary, the available evidence is currently insufficient to determine the role of this variant in disease. Therefore, it has been classified as a Variant of Uncertain Significance. Algorithms developed to predict the effect of missense changes on protein structure and function are either unavailable or do not agree on the potential impact of this missense change (SIFT: "Deleterious"; PolyPhen-2: "Possibly Damaging"; Align-GVGD: "Class C0"). This variant has not been reported in the literature in individuals with PDGFRA-related conditions. This variant is not present in population databases (ExAC no frequency). This sequence change replaces proline with arginine at codon 149 of the PDGFRA protein (p.Pro149Arg). The proline residue is highly conserved and there is a moderate physicochemical difference between proline and arginine.